The following is an entry in ClinVar:

ClinVar aggregate classification (germline): Uncertain significance. Review status: criteria provided, multiple submitters, no conflicts (2 of 4 stars). 2 submissions from 2 submitters: Uncertain significance (2). Last evaluated 2025-09-24.

Conditions:
Neuroblastoma, susceptibility to, 3. Also called: ALK-Related Neuroblastic Tumor Susceptibility. Identifiers: Orphanet 635, MedGen C2751681, MONDO:0013083, OMIM 613014.
Hereditary cancer-predisposing syndrome. Also called: Hereditary Cancer Syndrome; Hereditary neoplastic syndrome; Neoplastic Syndromes, Hereditary; Tumor predisposition. Identifiers: Orphanet 140162, MedGen C0027672, MeSH D009386, MONDO:0015356.

Submissions (2):

Labcorp Genetics (formerly Invitae), Labcorp
Classification: Uncertain significance for Neuroblastoma, susceptibility to, 3. Last evaluated: 2025-09-24. Review status: criteria provided, single submitter. Criteria: Invitae Variant Classification Sherloc (09022015). Collection method: clinical testing. Allele origin: germline.
Comment: This sequence change replaces cysteine, which is neutral and slightly polar, with serine, which is neutral and polar, at codon 1255 of the ALK protein (p.Cys1255Ser). This variant is not present in population databases (gnomAD no frequency). This variant has not been reported in the literature in individuals affected with ALK-related conditions. ClinVar contains an entry for this variant (Variation ID: 3525054). An algorithm developed to predict the effect of missense changes on protein structure and function (PolyPhen-2) suggests that this variant is likely to be disruptive. In summary, the available evidence is currently insufficient to determine the role of this variant in disease. Therefore, it has been classified as a Variant of Uncertain Significance.

Ambry Genetics
Classification: Uncertain significance for Hereditary cancer-predisposing syndrome. Last evaluated: 2024-11-14. Review status: criteria provided, single submitter. Criteria: Ambry Variant Classification Scheme 2023. Collection method: clinical testing. Allele origin: germline.
Comment: The p.C1255S variant (also known as c.3764G>C), located in coding exon 25 of the ALK gene, results from a G to C substitution at nucleotide position 3764. The cysteine at codon 1255 is replaced by serine, an amino acid with dissimilar properties. This amino acid position is highly conserved in available vertebrate species. In addition, this alteration is predicted to be deleterious by in silico analysis. Based on the available evidence, the clinical significance of this variant remains unclear.

NM_004304.5(ALK):c.3764G>C (p.Cys1255Ser)

Gene: ALK (ALK receptor tyrosine kinase; minus strand). Cytogenetic location: 2p23.2.
Variant type: single nucleotide variant.
Coding change: c.3764G>C on transcript NM_004304.5 (MANE Select); coding-DNA position 3764, G replaced by C.
Protein change: p.Cys1255Ser; replaces cysteine 1255 with serine.
Molecular consequence: missense variant.
Genome position (GRCh38, 1-based): chr2:29,209,858, C>G on the plus strand (G>C on the coding strand, the complement: ALK is on the minus strand). VCF-style: chr2-29209858-C-G. GRCh37 (hg19) VCF-style: chr2-29432724-C-G.
Other names: c.560G>C, p.Cys187Ser (NM_001353765.2); short protein forms C1255S, C187S.
Identifiers: ClinVar variation 3525054 (VCV003525054.3).
Genomic context (GRCh38, chr2:29,209,858, plus strand): 5'-CGGGCCATCCCGAAGTCTCCAATCTTGGCCACTCTTCCAGGGCCTGGACAGGTCAAGAGG[C>G]AGTTTCTGGCAGCAATGTCTCTGGGAAGAAAGGAAATGCATTTCCTAATTTTATCCCTAG-3'
Protein context (NP_004295.2, residues 1245-1265): FIHRDIAARN[Cys1255Ser]LLTCPGPGRV